The following is an entry in ClinVar:

NM_001384732.1(CPLANE1):c.202A>G (p.Thr68Ala)

Gene: CPLANE1 (ciliogenesis and planar polarity effector complex subunit 1; minus strand). Cytogenetic location: 5p13.2.
Variant type: single nucleotide variant.
Coding change: c.202A>G on transcript NM_001384732.1 (MANE Select); coding-DNA position 202, A replaced by G.
Protein change: p.Thr68Ala; replaces threonine 68 with alanine.
Molecular consequence: missense variant.
Genome position (GRCh38, 1-based): chr5:37,245,725, T>C on the plus strand (A>G on the coding strand, the complement: CPLANE1 is on the minus strand). VCF-style: chr5-37245725-T-C. GRCh37 (hg19) VCF-style: chr5-37245827-T-C.
Other names: c.202A>G, p.Thr68Ala (NM_023073.4); short protein forms T68A.
Identifiers: ClinVar variation 1492685 (VCV001492685.5), dbSNP rs1002297986, ClinGen allele CA117069383.

ClinVar aggregate classification (germline): Uncertain significance. Review status: criteria provided, multiple submitters, no conflicts (2 of 4 stars). 2 submissions from 2 submitters: Uncertain significance (2). Last evaluated 2025-09-15.

Conditions:
Orofaciodigital syndrome type 6 (OFD6). Also called: Oral-facial-digital syndrome type 6; Central polydactyly cleft lip/palate or lingual lump and psychomotor retardation; Y-shaped central metacarpal and cerebellar defect; Joubert syndrome with orofacialdigital anomalies; OROFACIODIGITAL SYNDROME VI; OFDS VI. Identifiers: Orphanet 2754, MedGen C2745997, MONDO:0010176, OMIM 277170.
Joubert syndrome 17 (JBTS17). Identifiers: Orphanet 475, MedGen C3553264, MONDO:0013824, OMIM 614615.

gnomAD v4.1: 4 of 1,524,142 alleles (0.00026%); highest among the groups gnomAD compares: Admixed American, 0.0089%; no homozygotes.

Submissions (2):

Labcorp Genetics (formerly Invitae), Labcorp
Classification: Uncertain significance. Last evaluated: 2025-09-15. Review status: criteria provided, single submitter. Criteria: Invitae Variant Classification Sherloc (09022015). Collection method: clinical testing. Allele origin: germline.
Comment: This sequence change replaces threonine, which is neutral and polar, with alanine, which is neutral and non-polar, at codon 68 of the CPLANE1 protein (p.Thr68Ala). The frequency data for this variant in the population databases is considered unreliable, as metrics indicate poor data quality at this position in the gnomAD database. This variant has not been reported in the literature in individuals affected with CPLANE1-related conditions. ClinVar contains an entry for this variant (Variation ID: 1492685). Invitae Evidence Modeling of protein sequence and biophysical properties (such as structural, functional, and spatial information, amino acid conservation, physicochemical variation, residue mobility, and thermodynamic stability) indicates that this missense variant is not expected to disrupt CPLANE1 protein function with a negative predictive value of 95%. In summary, the available evidence is currently insufficient to determine the role of this variant in disease. Therefore, it has been classified as a Variant of Uncertain Significance.

Fulgent Genetics
Classification: Uncertain significance for Orofaciodigital syndrome type 6; Joubert syndrome 17. Last evaluated: 2022-03-22. Review status: criteria provided, single submitter. Criteria: ACMG Guidelines, 2015. Collection method: clinical testing. Allele origin: unknown.